The following is an entry in ClinVar:

NM_001267550.2(TTN):c.52894A>T (p.Lys17632Ter)

Genes: TTN-AS1 (TTN antisense RNA 1; plus strand), TTN (titin; minus strand), LOC126806425 (BRD4-independent group 4 enhancer GRCh37_chr2:179471933-179473132; plus strand). Cytogenetic location: 2q31.2.
Variant type: single nucleotide variant.
Coding change: c.52894A>T on transcript NM_001267550.2 (MANE Select); coding-DNA position 52894, A replaced by T.
Protein change: p.Lys17632Ter; replaces lysine 17632 with a stop codon.
Molecular consequence: nonsense.
Genome position (GRCh38, 1-based): chr2:178,607,893, T>A on the plus strand (A>T on the coding strand, the complement: TTN is on the minus strand). VCF-style: chr2-178607893-T-A. GRCh37 (hg19) VCF-style: chr2-179472620-T-A.
Other names: c.47971A>T, p.Lys15991Ter (NM_001256850.1); c.25699A>T, p.Lys8567Ter (NM_003319.4); c.45190A>T, p.Lys15064Ter (NM_133378.4); c.26074A>T, p.Lys8692Ter (NM_133432.3); c.26275A>T, p.Lys8759Ter (NM_133437.4); short protein forms K15064*, K15991*, K17632*, K8567*, K8692*, K8759*.
Identifiers: ClinVar variation 3382001 (VCV003382001.2).
Genomic context (GRCh38, chr2:178,607,893, plus strand): 5'-CCCCTGCGGCATTGACAGCACTCACCCGAAGTTTGTAATCAGCACCCTCTCGGATTTCTT[T>A]GACGGTGTACTGACGGACCTTGATCATCTTCTCTGTGCAGCGTGACCATTCATTTGTGCC-3'

ClinVar aggregate classification (germline): Likely pathogenic (1 of 4 stars; one submission).

Conditions:
Dilated cardiomyopathy 1G (CMD1G). Identifiers: Orphanet 154, MedGen C1858763, MONDO:0011400, OMIM 604145.

Submission:

Juno Genomics, Hangzhou Juno Genomics, Inc
Classification: Likely pathogenic for Dilated cardiomyopathy 1G. Review status: criteria provided, single submitter. Criteria: ACMG Guidelines, 2015. Collection method: clinical testing. Allele origin: germline. Affected: yes.
Comment: Null variant in a gene where loss of function (LOF) is a known mechanism of disease.;Absent from controls (or at extremely low frequency if recessive) in Genome Aggregation Database, Exome Sequencing Project, 1000 Genomes Project, or Exome Aggregation Consortium.